The following is an entry in ClinVar:

ClinVar aggregate classification (germline): Uncertain significance. Review status: criteria provided, multiple submitters, no conflicts (2 of 4 stars). 3 submissions from 3 submitters: Uncertain significance (3). Last evaluated 2025-10-24.

Allele frequency attached by ClinVar (database versions not stated): TOPMed 0.00001.
gnomAD v4.1: 9 of 1,612,498 alleles (0.00056%); highest among the groups gnomAD compares: East Asian, 0.0045%; no homozygotes.

Submissions (3):

Ambry Genetics
Classification: Uncertain significance. Last evaluated: 2025-10-24. Review status: criteria provided, single submitter. Criteria: Ambry Variant Classification Scheme 2023. Collection method: clinical testing. Allele origin: germline.

Labcorp Genetics (formerly Invitae), Labcorp
Classification: Uncertain significance. Last evaluated: 2025-02-19. Review status: criteria provided, single submitter. Criteria: Invitae Variant Classification Sherloc (09022015). Collection method: clinical testing. Allele origin: germline.
Comment: This sequence change replaces proline, which is neutral and non-polar, with serine, which is neutral and polar, at codon 376 of the RASA2 protein (p.Pro376Ser). This variant is present in population databases (no rsID available, gnomAD 0.006%). This variant has not been reported in the literature in individuals affected with RASA2-related conditions. ClinVar contains an entry for this variant (Variation ID: 2506328). Invitae Evidence Modeling of protein sequence and biophysical properties (such as structural, functional, and spatial information, amino acid conservation, physicochemical variation, residue mobility, and thermodynamic stability) indicates that this missense variant is not expected to disrupt RASA2 protein function with a negative predictive value of 80%. In summary, the available evidence is currently insufficient to determine the role of this variant in disease. Therefore, it has been classified as a Variant of Uncertain Significance.

Women's Health and Genetics/Laboratory Corporation of America, LabCorp
Classification: Uncertain significance. Last evaluated: 2023-05-01. Review status: criteria provided, single submitter. Criteria: LabCorp Variant Classification Summary - May 2015. Collection method: clinical testing. Allele origin: germline.

NM_006506.5(RASA2):c.1126C>T (p.Pro376Ser)

Gene: RASA2 (RAS p21 protein activator 2; plus strand). Cytogenetic location: 3q23.
Variant type: single nucleotide variant.
Coding change: c.1126C>T on transcript NM_006506.5 (MANE Select); coding-DNA position 1126, C replaced by T.
Protein change: p.Pro376Ser; replaces proline 376 with serine.
Molecular consequence: missense variant.
Genome position (GRCh38, 1-based): chr3:141,571,511, C>T. VCF-style: chr3-141571511-C-T. GRCh37 (hg19) VCF-style: chr3-141290353-C-T.
Other names: c.1126C>T, p.Pro376Ser (NM_001303245.3, NM_001303246.3); c.1126C>T (NM_006506.2); short protein forms P376S.
Identifiers: ClinVar variation 2506328 (VCV002506328.4), dbSNP rs1339511490, ClinGen allele CA354776220.